The following is an entry in ClinVar:

NM_000234.3(LIG1):c.1131C>T (p.Gly377=)

Gene: LIG1 (DNA ligase 1; minus strand). Cytogenetic location: 19q13.33.
Variant type: single nucleotide variant.
Coding change: c.1131C>T on transcript NM_000234.3 (MANE Select); coding-DNA position 1131, C replaced by T.
Protein change: p.Gly377=; no amino-acid change (glycine 377 retained).
Molecular consequence: synonymous variant. On other transcripts: non-coding transcript variant (6).
Genome position (GRCh38, 1-based): chr19:48,137,645, G>A on the plus strand (C>T on the coding strand, the complement: LIG1 is on the minus strand). VCF-style: chr19-48137645-G-A. GRCh37 (hg19) VCF-style: chr19-48640902-G-A.
Other names: p.Gly377=; c.1038C>T, p.Gly346= (NM_001289063.2); c.927C>T, p.Gly309= (NM_001289064.2); c.1128C>T, p.Gly376= (NM_001320970.2); c.1041C>T, p.Gly347= (NM_001320971.2).
Identifiers: ClinVar variation 403036 (VCV000403036.45), dbSNP rs4987069, ClinGen allele CA9546944.

ClinVar aggregate classification (germline): Benign. Review status: criteria provided, multiple submitters, no conflicts (2 of 4 stars). 5 submissions from 5 submitters: Benign (5). Last evaluated 2026-02-01.

Allele frequency attached by ClinVar (database versions not stated): 1000 Genomes Project 30x 0.00422; 1000 Genomes Project 0.00499; TOPMed 0.00819; gnomAD exomes 0.00912 and 0.01467; gnomAD 0.00928 and 0.00950; ExAC 0.00945; ESP Exome Variant Server 0.01169.
gnomAD v4.1: 22,816 of 1,608,854 alleles (1.4%); highest among the groups gnomAD compares: Non-Finnish European, 1.7%; 239 homozygotes.

Submissions (40):

Labcorp Genetics (formerly Invitae), Labcorp
Classification: Benign. Last evaluated: 2026-02-01. Review status: criteria provided, single submitter. Criteria: Invitae Variant Classification Sherloc (09022015). Collection method: clinical testing. Allele origin: germline.

Mayo Clinic Laboratories, Mayo Clinic
Classification: Benign. Last evaluated: 2025-10-01. Review status: criteria provided, single submitter. Criteria: ACMG Guidelines, 2015. Collection method: clinical testing. Allele origin: germline. Observed: 1 variant allele.
Comment: BS1, BS2, BP4, BP7

CeGaT Center for Human Genetics Tuebingen
Classification: Benign. Last evaluated: 2023-03-01. Review status: criteria provided, single submitter. Criteria: CeGaT Center For Human Genetics Tuebingen Variant Classification Criteria Version 2. Collection method: clinical testing. Allele origin: germline. Affected: yes. Observed: 2 variant alleles.
Comment: LIG1: BP4, BP7, BS1, BS2

Laboratory for Molecular Medicine, Mass General Brigham Personalized Medicine
Classification: Benign. Last evaluated: 2016-03-28. Review status: criteria provided, single submitter. Criteria: LMM Criteria. Collection method: clinical testing. Allele origin: germline.
Comment: Variant identified in a genome or exome case(s) and assessed due to predicted null impact of the variant or pathogenic assertions in the literature or databases. Disclaimer: This variant has not undergone full assessment. The following are preliminary notes: Frequency

Breakthrough Genomics
Classification: Benign. Review status: criteria provided, single submitter. Criteria: ACMG Guidelines, 2015. Collection method: not provided. Allele origin: germline. Inheritance: Autosomal recessive inheritance. Affected: yes.

Dr. Peter K. Rogan Lab, Western University
No classification provided (evidence only). Condition: Clear cell carcinoma of kidney. Review status: no classification provided. Collection method: in vitro. Allele origin: not applicable. Functional consequence: retained intron. Not counted in ClinVar's aggregate classification.

Dr. Peter K. Rogan Lab, Western University
No classification provided (evidence only). Condition: Lung cancer. Review status: no classification provided. Collection method: in vitro. Allele origin: not applicable. Functional consequence: retained intron. Not counted in ClinVar's aggregate classification.

Dr. Peter K. Rogan Lab, Western University
No classification provided (evidence only). Condition: Lung cancer. Review status: no classification provided. Collection method: in vitro. Allele origin: not applicable. Functional consequence: retained intron. Not counted in ClinVar's aggregate classification.

Dr. Peter K. Rogan Lab, Western University
No classification provided (evidence only). Condition: Lung cancer. Review status: no classification provided. Collection method: in vitro. Allele origin: not applicable. Functional consequence: retained intron. Not counted in ClinVar's aggregate classification.

Dr. Peter K. Rogan Lab, Western University
No classification provided (evidence only). Condition: Lung cancer. Review status: no classification provided. Collection method: in vitro. Allele origin: not applicable. Functional consequence: retained intron. Not counted in ClinVar's aggregate classification.

Dr. Peter K. Rogan Lab, Western University
No classification provided (evidence only). Condition: Lung cancer. Review status: no classification provided. Collection method: in vitro. Allele origin: not applicable. Functional consequence: skipped exon, retained intron. Not counted in ClinVar's aggregate classification.

Dr. Peter K. Rogan Lab, Western University
No classification provided (evidence only). Condition: Acute myeloid leukemia. Review status: no classification provided. Collection method: in vitro. Allele origin: not applicable. Functional consequence: skipped exon. Not counted in ClinVar's aggregate classification.

Dr. Peter K. Rogan Lab, Western University
No classification provided (evidence only). Condition: Acute myeloid leukemia. Review status: no classification provided. Collection method: in vitro. Allele origin: not applicable. Functional consequence: retained intron. Not counted in ClinVar's aggregate classification.

Dr. Peter K. Rogan Lab, Western University
No classification provided (evidence only). Condition: Acute myeloid leukemia. Review status: no classification provided. Collection method: in vitro. Allele origin: not applicable. Functional consequence: retained intron. Not counted in ClinVar's aggregate classification.

Dr. Peter K. Rogan Lab, Western University
No classification provided (evidence only). Condition: Colon adenocarcinoma. Review status: no classification provided. Collection method: in vitro. Allele origin: not applicable. Functional consequence: retained intron. Not counted in ClinVar's aggregate classification.

Dr. Peter K. Rogan Lab, Western University
No classification provided (evidence only). Condition: Colon adenocarcinoma. Review status: no classification provided. Collection method: in vitro. Allele origin: not applicable. Functional consequence: retained intron. Not counted in ClinVar's aggregate classification.

Dr. Peter K. Rogan Lab, Western University
No classification provided (evidence only). Condition: Thyroid cancer, nonmedullary, 1. Review status: no classification provided. Collection method: in vitro. Allele origin: not applicable. Functional consequence: retained intron. Not counted in ClinVar's aggregate classification.

Dr. Peter K. Rogan Lab, Western University
No classification provided (evidence only). Condition: Thyroid cancer, nonmedullary, 1. Review status: no classification provided. Collection method: in vitro. Allele origin: not applicable. Functional consequence: retained intron. Not counted in ClinVar's aggregate classification.

Dr. Peter K. Rogan Lab, Western University
No classification provided (evidence only). Condition: Thyroid cancer, nonmedullary, 1. Review status: no classification provided. Collection method: in vitro. Allele origin: not applicable. Functional consequence: retained intron. Not counted in ClinVar's aggregate classification.

Dr. Peter K. Rogan Lab, Western University
No classification provided (evidence only). Condition: Cervical cancer. Review status: no classification provided. Collection method: in vitro. Allele origin: not applicable. Functional consequence: skipped exon. Not counted in ClinVar's aggregate classification.

Dr. Peter K. Rogan Lab, Western University
No classification provided (evidence only). Condition: Cervical cancer. Review status: no classification provided. Collection method: in vitro. Allele origin: not applicable. Functional consequence: retained intron. Not counted in ClinVar's aggregate classification.

Dr. Peter K. Rogan Lab, Western University
No classification provided (evidence only). Condition: Malignant lymphoma, large B-cell, diffuse. Review status: no classification provided. Collection method: in vitro. Allele origin: not applicable. Functional consequence: retained intron. Not counted in ClinVar's aggregate classification.

Dr. Peter K. Rogan Lab, Western University
No classification provided (evidence only). Condition: Hepatocellular carcinoma. Review status: no classification provided. Collection method: in vitro. Allele origin: not applicable. Functional consequence: retained intron. Not counted in ClinVar's aggregate classification.

Dr. Peter K. Rogan Lab, Western University
No classification provided (evidence only). Condition: Hepatocellular carcinoma. Review status: no classification provided. Collection method: in vitro. Allele origin: not applicable. Functional consequence: retained intron. Not counted in ClinVar's aggregate classification.

Dr. Peter K. Rogan Lab, Western University
No classification provided (evidence only). Condition: Thymoma. Review status: no classification provided. Collection method: in vitro. Allele origin: not applicable. Functional consequence: retained intron. Not counted in ClinVar's aggregate classification.

Dr. Peter K. Rogan Lab, Western University
No classification provided (evidence only). Condition: Cholangiocarcinoma. Review status: no classification provided. Collection method: in vitro. Allele origin: not applicable. Functional consequence: retained intron. Not counted in ClinVar's aggregate classification.

Dr. Peter K. Rogan Lab, Western University
No classification provided (evidence only). Condition: Ovarian serous cystadenocarcinoma. Review status: no classification provided. Collection method: in vitro. Allele origin: not applicable. Functional consequence: retained intron. Not counted in ClinVar's aggregate classification.

Dr. Peter K. Rogan Lab, Western University
No classification provided (evidence only). Condition: Ovarian serous cystadenocarcinoma. Review status: no classification provided. Collection method: in vitro. Allele origin: not applicable. Functional consequence: retained intron. Not counted in ClinVar's aggregate classification.

Dr. Peter K. Rogan Lab, Western University
No classification provided (evidence only). Condition: Ovarian serous cystadenocarcinoma. Review status: no classification provided. Collection method: in vitro. Allele origin: not applicable. Functional consequence: retained intron. Not counted in ClinVar's aggregate classification.

Dr. Peter K. Rogan Lab, Western University
No classification provided (evidence only). Condition: Ovarian serous cystadenocarcinoma. Review status: no classification provided. Collection method: in vitro. Allele origin: not applicable. Functional consequence: retained intron. Not counted in ClinVar's aggregate classification.

Dr. Peter K. Rogan Lab, Western University
No classification provided (evidence only). Condition: Ovarian serous cystadenocarcinoma. Review status: no classification provided. Collection method: in vitro. Allele origin: not applicable. Functional consequence: retained intron. Not counted in ClinVar's aggregate classification.

Dr. Peter K. Rogan Lab, Western University
No classification provided (evidence only). Condition: Ovarian serous cystadenocarcinoma. Review status: no classification provided. Collection method: in vitro. Allele origin: not applicable. Functional consequence: retained intron. Not counted in ClinVar's aggregate classification.

Dr. Peter K. Rogan Lab, Western University
No classification provided (evidence only). Condition: Ovarian serous cystadenocarcinoma. Review status: no classification provided. Collection method: in vitro. Allele origin: not applicable. Functional consequence: retained intron. Not counted in ClinVar's aggregate classification.

Dr. Peter K. Rogan Lab, Western University
No classification provided (evidence only). Condition: Ovarian serous cystadenocarcinoma. Review status: no classification provided. Collection method: in vitro. Allele origin: not applicable. Functional consequence: retained intron. Not counted in ClinVar's aggregate classification.

Dr. Peter K. Rogan Lab, Western University
No classification provided (evidence only). Condition: Gastric cancer. Review status: no classification provided. Collection method: in vitro. Allele origin: not applicable. Functional consequence: retained intron. Not counted in ClinVar's aggregate classification.

Dr. Peter K. Rogan Lab, Western University
No classification provided (evidence only). Condition: Gastric cancer. Review status: no classification provided. Collection method: in vitro. Allele origin: not applicable. Functional consequence: retained intron. Not counted in ClinVar's aggregate classification.

Dr. Peter K. Rogan Lab, Western University
No classification provided (evidence only). Condition: Uterine carcinosarcoma. Review status: no classification provided. Collection method: in vitro. Allele origin: not applicable. Functional consequence: retained intron. Not counted in ClinVar's aggregate classification.

Dr. Peter K. Rogan Lab, Western University
No classification provided (evidence only). Condition: Uterine carcinosarcoma. Review status: no classification provided. Collection method: in vitro. Allele origin: not applicable. Functional consequence: retained intron. Not counted in ClinVar's aggregate classification.

Dr. Peter K. Rogan Lab, Western University
No classification provided (evidence only). Condition: Malignant tumor of esophagus. Review status: no classification provided. Collection method: in vitro. Allele origin: not applicable. Functional consequence: retained intron. Not counted in ClinVar's aggregate classification.

Dr. Peter K. Rogan Lab, Western University
No classification provided (evidence only). Condition: Malignant tumor of esophagus. Review status: no classification provided. Collection method: in vitro. Allele origin: not applicable. Functional consequence: retained intron. Not counted in ClinVar's aggregate classification.